The following is an entry in ClinVar:

NM_005751.5(AKAP9):c.2228A>G (p.Gln743Arg)

Gene: AKAP9 (A-kinase anchoring protein 9; plus strand). Cytogenetic location: 7q21.2.
Variant type: single nucleotide variant.
Coding change: c.2228A>G on transcript NM_005751.5 (MANE Select); coding-DNA position 2228, A replaced by G.
Protein change: p.Gln743Arg; replaces glutamine 743 with arginine.
Molecular consequence: missense variant.
Genome position (GRCh38, 1-based): chr7:92,002,145, A>G. VCF-style: chr7-92002145-A-G. GRCh37 (hg19) VCF-style: chr7-91631459-A-G.
Other names: c.2228A>G, p.Gln743Arg (NM_147185.3); short protein forms Q743R.
Identifiers: ClinVar variation 3282086 (VCV003282086.1).

ClinVar aggregate classification (germline): Uncertain significance (1 of 4 stars; one submission).

Conditions:
Cardiovascular phenotype. Identifiers: MedGen CN230736.

Submission:

Ambry Genetics
Classification: Uncertain significance for Cardiovascular phenotype. Last evaluated: 2024-05-25. Review status: criteria provided, single submitter. Criteria: Ambry Variant Classification Scheme 2023. Collection method: clinical testing. Allele origin: germline.
Comment: The p.Q743R variant (also known as c.2228A>G), located in coding exon 8 of the AKAP9 gene, results from an A to G substitution at nucleotide position 2228. The glutamine at codon 743 is replaced by arginine, an amino acid with highly similar properties. This amino acid position is conserved. In addition, this alteration is predicted to be tolerated by in silico analysis. Based on the available evidence, the clinical significance of this variant remains unclear.